The following is an entry in ClinVar:

NM_007325.5(GRIA3):c.1185+5_1185+8del

Gene: GRIA3 (glutamate ionotropic receptor AMPA type subunit 3; plus strand). Cytogenetic location: Xq25.
Variant type: Microsatellite.
Coding change: c.1185+5_1185+8del on transcript NM_007325.5 (MANE Select); bases 5 to 8 of the intron after coding-DNA position 1185, 4 bases deleted (GTAA; older notation c.1185+5_1185+8delGTAA).
Molecular consequence: splice donor variant.
Genome position (GRCh38, 1-based): chrX:123,403,103-123,403,106, GTAA deleted; deleting any 4 consecutive bases within chrX:123,403,097-123,403,106 gives the same sequence; the c. name uses the placement nearest the transcript's 3' end. VCF-style (leftmost placement, unchanged base first): chrX-123403096-AAAGT-A. GRCh37 (hg19) VCF-style: chrX-122536947-AAAGT-A.
Other names: c.1185+5_1185+8del (NM_000828.5).
Identifiers: ClinVar variation 3366962 (VCV003366962.1).

ClinVar aggregate classification (germline): Uncertain significance (1 of 4 stars; one submission).

Conditions:
Syndromic X-linked intellectual disability 94 (MRXSW). Also called: MENTAL RETARDATION, X-LINKED, SYNDROMIC 29; X-linked intellectual disability due to GRIA3 anomalies. Identifiers: Orphanet 364028, MedGen C2678051, MONDO:0010402, OMIM 300699.

Submission:

Institute of Immunology and Genetics Kaiserslautern
Classification: Uncertain significance for Syndromic X-linked intellectual disability 94. Last evaluated: 2024-06-11. Review status: criteria provided, single submitter. Criteria: ACMG Guidelines, 2015. Collection method: clinical testing. Allele origin: maternal. Affected: yes.
Comment: ACMG Criteria: PM2_P, PP3; Variant found in a hemizygous state